The following is an entry in ClinVar:

NM_014714.4(IFT140):c.925G>A (p.Glu309Lys)

Genes: IFT140 (intraflagellar transport 140; minus strand), LOC105371046 (uncharacterized LOC105371046; plus strand). Cytogenetic location: 16p13.3.
Variant type: single nucleotide variant.
Coding change: c.925G>A on transcript NM_014714.4 (MANE Select); coding-DNA position 925, G replaced by A.
Protein change: p.Glu309Lys; replaces glutamic acid 309 with lysine.
Molecular consequence: missense variant.
Genome position (GRCh38, 1-based): chr16:1,587,282, C>T on the plus strand (G>A on the coding strand, the complement: IFT140 is on the minus strand). VCF-style: chr16-1587282-C-T. GRCh37 (hg19) VCF-style: chr16-1637283-C-T.
Other names: short protein forms E309K.
Identifiers: ClinVar variation 318198 (VCV000318198.31), dbSNP rs141993646, ClinGen allele CA7814489.

ClinVar aggregate classification (germline): Conflicting classifications of pathogenicity. Review status: criteria provided, conflicting classifications (1 of 4 stars). 6 submissions from 6 submitters: Uncertain significance (2); Benign (1); Likely benign (2). 1 of the submissions does not count toward it. Last evaluated 2026-02-01.

Conditions:
Retinal dystrophy. Also called: Inherited retinal dystrophy. Identifiers: Orphanet 71862, MedGen C0854723, MeSH D058499, MONDO:0019118, HP:0000556.
Inborn genetic diseases. Identifiers: MedGen C0950123, MeSH D030342.
Saldino-Mainzer syndrome (SRTD9). Also called: CONORENAL SYNDROME; SHORT-RIB THORACIC DYSPLASIA 9 WITHOUT POLYDACTYLY; short-rib thoracic dysplasia 9 with or without polydactyly; Renal dysplasia, retinal pigmentary dystrophy, cerebellar ataxia and skeletal dysplasia. Identifiers: Orphanet 140969, MedGen C1849437, MONDO:0009964, OMIM 266920.

Allele frequency attached by ClinVar (database versions not stated): ESP Exome Variant Server 0.00023; gnomAD 0.00023 and 0.00027; gnomAD exomes 0.00023 and 0.00049; TOPMed 0.00032; ExAC 0.00036.
gnomAD v4.1: 408 of 1,611,588 alleles (0.025%); highest among the groups gnomAD compares: Middle Eastern, 0.033%; 3 homozygotes.

Submissions (6):

Labcorp Genetics (formerly Invitae), Labcorp
Classification: Benign for Saldino-Mainzer syndrome. Last evaluated: 2026-02-01. Review status: criteria provided, single submitter. Criteria: Invitae Variant Classification Sherloc (09022015). Collection method: clinical testing. Allele origin: germline.

CeGaT Center for Human Genetics Tuebingen
Classification: Likely benign. Last evaluated: 2025-03-01. Review status: criteria provided, single submitter. Criteria: CeGaT Center For Human Genetics Tuebingen Variant Classification Criteria Version 2. Collection method: clinical testing. Allele origin: germline. Affected: yes. Observed: 1 variant allele.
Comment: IFT140: BP4, BS2

Blueprint Genetics
Classification: Likely benign. Last evaluated: 2024-02-27. Review status: criteria provided, single submitter. Criteria: ACMG Guidelines, 2015. Collection method: clinical testing. Allele origin: germline.

Ambry Genetics
Classification: Uncertain significance for Inborn genetic diseases. Last evaluated: 2022-04-25. Review status: criteria provided, single submitter. Criteria: Ambry Variant Classification Scheme 2023. Collection method: clinical testing. Allele origin: germline.

Illumina Laboratory Services, Illumina
Classification: Uncertain significance for Saldino-Mainzer syndrome. Last evaluated: 2018-01-12. Review status: criteria provided, single submitter. Criteria: ICSL Variant Classification Criteria 13 December 2019. Collection method: clinical testing. Allele origin: germline.

Institute of Human Genetics, Univ. Regensburg, Univ. Regensburg
Classification: Uncertain significance for Retinal dystrophy. Last evaluated: 2018-01-01. Review status: no assertion criteria provided. Criteria: ACMG Guidelines, 2015. Collection method: clinical testing. Allele origin: germline. Affected: yes. Not counted in ClinVar's aggregate classification.